The following is an entry in ClinVar:

ClinVar aggregate classification (germline): Likely benign. Review status: criteria provided, multiple submitters, no conflicts (2 of 4 stars). 2 submissions from 2 submitters: Likely benign (2). Last evaluated 2023-07-12.

Conditions:
Wilson disease (WND). Also called: Wilson's disease. Identifiers: Orphanet 905, MedGen C0019202, MONDO:0010200, OMIM 277900. Disease mechanism: loss of function.

Submissions (2):

Labcorp Genetics (formerly Invitae), Labcorp
Classification: Likely benign for Wilson disease. Last evaluated: 2023-07-12. Review status: criteria provided, single submitter. Criteria: Invitae Variant Classification Sherloc (09022015). Collection method: clinical testing. Allele origin: germline.

All of Us Research Program, National Institutes of Health
Classification: Likely benign for Wilson disease. Last evaluated: 2023-07-10. Review status: criteria provided, single submitter. Criteria: ACMG Guidelines, 2015. Collection method: clinical testing. Allele origin: germline. Inheritance: Autosomal recessive inheritance. Observed: 1 variant allele, 1 heterozygote.
Comment: This study involves interpretation of variants in research participants for the purpose of population health screening. Participant phenotype was not available at the time of variant classification. Additional details can be found in publication PMID: 35346344, PMCID: PMC8962531

NM_000053.4(ATP7B):c.3954C>T (p.Val1318=)

Gene: ATP7B (ATPase copper transporting beta; minus strand). Cytogenetic location: 13q14.3.
Variant type: single nucleotide variant.
Coding change: c.3954C>T on transcript NM_000053.4 (MANE Select); coding-DNA position 3954, C replaced by T.
Protein change: p.Val1318=; no amino-acid change (valine 1318 retained).
Molecular consequence: synonymous variant.
Genome position (GRCh38, 1-based): chr13:51,937,343, G>A on the plus strand (C>T on the coding strand, the complement: ATP7B is on the minus strand). VCF-style: chr13-51937343-G-A. GRCh37 (hg19) VCF-style: chr13-52511479-G-A.
Other names: c.3333C>T, p.Val1111= (NM_001005918.3); c.3621C>T, p.Val1207= (NM_001243182.2); c.3720C>T, p.Val1240= (NM_001330578.2, NM_001406527.1, NM_001406528.1); c.3702C>T, p.Val1234= (NM_001330579.2, NM_001406531.1, NM_001406532.1); c.3954C>T, p.Val1318= (NM_001406511.1, NM_001406512.1); c.3948C>T, p.Val1316= (NM_001406513.1); c.3921C>T, p.Val1307= (NM_001406514.1); c.3900C>T, p.Val1300= (NM_001406515.1, NM_001406516.1); and 21 more.
Identifiers: ClinVar variation 2094306 (VCV002094306.5), dbSNP rs2138561910, ClinGen allele CA483893506.